The following is an entry in ClinVar:

NM_003361.4(UMOD):c.667T>A (p.Cys223Ser)

Gene: UMOD (uromodulin; minus strand). Cytogenetic location: 16p12.3.
Variant type: single nucleotide variant.
Coding change: c.667T>A on transcript NM_003361.4 (MANE Select); coding-DNA position 667, T replaced by A.
Protein change: p.Cys223Ser; replaces cysteine 223 with serine.
Molecular consequence: missense variant. On other transcripts: non-coding transcript variant (1).
Genome position (GRCh38, 1-based): chr16:20,348,634, A>T on the plus strand (T>A on the coding strand, the complement: UMOD is on the minus strand). VCF-style: chr16-20348634-A-T. GRCh37 (hg19) VCF-style: chr16-20359956-A-T.
Other names: c.667T>A, p.Cys223Ser (NM_001378235.1, NM_001378237.1, NM_001008389.3 and 3 more transcripts); c.766T>A, p.Cys256Ser (NM_001278614.2); short protein forms C223S, C256S.
Identifiers: ClinVar variation 3256703 (VCV003256703.1).

ClinVar aggregate classification (germline): Likely pathogenic (1 of 4 stars; one submission).

Conditions:
Familial juvenile hyperuricemic nephropathy type 1 (ADTKD1). Also called: Autosomal Dominant Tubulointerstitial Kidney Disease – UMOD; Glomerulocystic kidney disease with hyperuricemia and isosthenuria; Medullary cystic kidney disease 2; UMOD-Associated Kidney Disease; Uromodulin-associated kidney disease. Identifiers: Orphanet 209886, Orphanet 34149, Orphanet 88950, MedGen C4551496, MONDO:0008073, OMIM 162000.

Submission:

MVZ Medizinische Genetik Mainz
Classification: Likely pathogenic for Familial juvenile hyperuricemic nephropathy type 1. Last evaluated: 2024-06-12. Review status: criteria provided, single submitter. Criteria: UK Practice Guidelines For Variant Classification V4 01 2020. Collection method: clinical testing. Allele origin: germline. Inheritance: Autosomal dominant inheritance. Observed: 1 variant allele.
Comment: ACMG Criteria: PP3_STR,PM5,PM2_SUP,PP4